The following is an entry in ClinVar:

NM_015295.3(SMCHD1):c.2604T>C (p.Ser868=)

Gene: SMCHD1 (structural maintenance of chromosomes flexible hinge domain containing 1; plus strand). Cytogenetic location: 18p11.32.
Variant type: single nucleotide variant.
Coding change: c.2604T>C on transcript NM_015295.3 (MANE Select); coding-DNA position 2604, T replaced by C.
Protein change: p.Ser868=; no amino-acid change (serine 868 retained).
Molecular consequence: synonymous variant.
Genome position (GRCh38, 1-based): chr18:2,724,899, T>C. VCF-style: chr18-2724899-T-C. GRCh37 (hg19) VCF-style: chr18-2724897-T-C.
Identifiers: ClinVar variation 1493725 (VCV001493725.6), dbSNP rs2074995865, ClinGen allele CA502678193.

ClinVar aggregate classification (germline): Uncertain significance (1 of 4 stars; one submission).

Conditions:
Facioscapulohumeral muscular dystrophy 2 (FSHD2). Also called: MUSCULAR DYSTROPHY, FACIOSCAPULOHUMERAL, TYPE 1B; FACIOSCAPULOHUMERAL MUSCULAR DYSTROPHY 2, DIGENIC; FSHD2, DIGENIC. Identifiers: Orphanet 269, MedGen C1834671, MONDO:0008031, OMIM 158901.

Allele frequency attached by ClinVar (database versions not stated): TOPMed below 0.00001; gnomAD 0.00001.

Submission:

Labcorp Genetics (formerly Invitae), Labcorp
Classification: Uncertain significance for Facioscapulohumeral muscular dystrophy 2. Last evaluated: 2021-09-23. Review status: criteria provided, single submitter. Criteria: Invitae Variant Classification Sherloc (09022015). Collection method: clinical testing. Allele origin: germline.
Comment: In summary, the available evidence is currently insufficient to determine the role of this variant in disease. Therefore, it has been classified as a Variant of Uncertain Significance. Algorithms developed to predict the effect of sequence changes on RNA splicing suggest that this variant is not likely to affect RNA splicing. This variant has not been reported in the literature in individuals affected with SMCHD1-related conditions. This variant is not present in population databases (ExAC no frequency). This sequence change affects codon 868 of the SMCHD1 mRNA. It is a 'silent' change, meaning that it does not change the encoded amino acid sequence of the SMCHD1 protein. It affects a nucleotide within the consensus splice site of the intron.